The following is an entry in ClinVar:

NM_014989.7(RIMS1):c.743C>G (p.Ser248Trp)

Gene: RIMS1 (regulating synaptic membrane exocytosis 1; plus strand). Cytogenetic location: 6q13.
Variant type: single nucleotide variant.
Coding change: c.743C>G on transcript NM_014989.7 (MANE Select); coding-DNA position 743, C replaced by G.
Protein change: p.Ser248Trp; replaces serine 248 with tryptophan.
Molecular consequence: missense variant.
Genome position (GRCh38, 1-based): chr6:72,179,846, C>G. VCF-style: chr6-72179846-C-G. GRCh37 (hg19) VCF-style: chr6-72889549-C-G.
Other names: short protein forms S248W.
Identifiers: ClinVar variation 3314353 (VCV003314353.3).
Genomic context (GRCh38, chr6:72,179,846, plus strand): 5'-CCTCCCAGGATGCTGCTCCTCCCAGCGCACCACCAGACAGGAGCAAAGGGGCTGAGCCCT[C>G]GCAGCAAGCCTTGGGGCCTGAACAGAAGCAGGCTTCATCCAGGTCTAGAAGTGAACCTCC-3'
Protein context (NP_055804.2, residues 238-258): PPDRSKGAEP[Ser248Trp]QQALGPEQKQ

ClinVar aggregate classification (germline): Uncertain significance. Review status: criteria provided, multiple submitters, no conflicts (2 of 4 stars). 2 submissions from 2 submitters: Uncertain significance (2). Last evaluated 2024-06-10.

gnomAD v4.1: 1 of 1,607,798 alleles (0.000062%); highest among the groups gnomAD compares: Non-Finnish European, 0.000085%; no homozygotes.

Submissions (2):

Labcorp Genetics (formerly Invitae), Labcorp
Classification: Uncertain significance. Last evaluated: 2024-06-10. Review status: criteria provided, single submitter. Criteria: Invitae Variant Classification Sherloc (09022015). Collection method: clinical testing. Allele origin: germline.
Comment: This sequence change replaces serine, which is neutral and polar, with tryptophan, which is neutral and slightly polar, at codon 248 of the RIMS1 protein (p.Ser248Trp). This variant is not present in population databases (gnomAD no frequency). This variant has not been reported in the literature in individuals affected with RIMS1-related conditions. An algorithm developed to predict the effect of missense changes on protein structure and function (PolyPhen-2) suggests that this variant is likely to be disruptive. In summary, the available evidence is currently insufficient to determine the role of this variant in disease. Therefore, it has been classified as a Variant of Uncertain Significance.

Ambry Genetics
Classification: Uncertain significance. Last evaluated: 2024-04-12. Review status: criteria provided, single submitter. Criteria: Ambry Variant Classification Scheme 2023. Collection method: clinical testing. Allele origin: germline.